The following is an entry in ClinVar:

NM_000443.4(ABCB4):c.1711G>A (p.Val571Ile)

Gene: ABCB4 (ATP binding cassette subfamily B member 4; minus strand). Cytogenetic location: 7q21.12.
Variant type: single nucleotide variant.
Coding change: c.1711G>A on transcript NM_000443.4 (MANE Select); coding-DNA position 1711, G replaced by A.
Protein change: p.Val571Ile; replaces valine 571 with isoleucine.
Molecular consequence: missense variant.
Genome position (GRCh38, 1-based): chr7:87,439,687, C>T on the plus strand (G>A on the coding strand, the complement: ABCB4 is on the minus strand). VCF-style: chr7-87439687-C-T. GRCh37 (hg19) VCF-style: chr7-87069003-C-T.
Other names: c.1711G>A, p.Val571Ile (NM_018849.3, NM_018850.3); short protein forms V571I.
Identifiers: ClinVar variation 4886944 (VCV004886944.1).

ClinVar aggregate classification (germline): Uncertain significance (1 of 4 stars; one submission).

Conditions:
Low phospholipid associated cholelithiasis (GBD1). Also called: Gallstone cholecystitis; Gallbladder disease 1. Identifiers: Orphanet 69663, MedGen C2609268, MONDO:0010939, OMIM 600803.

gnomAD v4.1: 2 of 1,614,182 alleles (0.00012%); highest among the groups gnomAD compares: Middle Eastern, 0.017%; no homozygotes.

Submission:

Molecular Genetics Laboratory, CHU Lille
Classification: Uncertain significance for Low phospholipid associated cholelithiasis. Last evaluated: 2026-08-19. Review status: criteria provided, single submitter. Criteria: ACMG Guidelines, 2015. Collection method: clinical testing. Allele origin: germline. Affected: yes.
Comment: The variant is a missense variant in ABCB4. Bioinformatic analyses suggest that this variant may impact the protein. In summary, the clinical significance of this variant is uncertain.